The following is an entry in ClinVar:

NM_016156.6(MTMR2):c.*987T>C

Gene: MTMR2 (myotubularin related protein 2; minus strand). Cytogenetic location: 11q21.
Variant type: single nucleotide variant.
Coding change: c.*987T>C on transcript NM_016156.6 (MANE Select); 987 bases downstream of the stop codon, T replaced by C.
Molecular consequence: 3 prime UTR variant.
Genome position (GRCh38, 1-based): chr11:95,834,303, A>G on the plus strand (T>C on the coding strand, the complement: MTMR2 is on the minus strand). VCF-style: chr11-95834303-A-G. GRCh37 (hg19) VCF-style: chr11-95567467-A-G.
Other names: c.*987T>C (NM_001243571.2, NM_201278.3, NM_201281.3).
Identifiers: ClinVar variation 306522 (VCV000306522.5), dbSNP rs57807625, ClinGen allele CA10640525.
Genomic context (GRCh38, chr11:95,834,303, plus strand): 5'-TGAACAGTGAAGCAAGATTTCTTTTACTGGCTTTGAGATTGTAATACATCTTTTACATGC[A>G]GTGTGTTCTTTGGTAGACTTAATCGTTGAGTGAAATTACAGAATTTGCAAAGGAAAAAAA-3'

ClinVar aggregate classification (germline): Benign (1 of 4 stars; one submission).

Conditions:
Charcot-Marie-Tooth disease type 4B1. Also called: CHARCOT-MARIE-TOOTH DISEASE, AUTOSOMAL RECESSIVE, WITH FOCALLY FOLDED MYELIN SHEATHS, AUTOSOMAL RECESSIVE, TYPE 4B1; CHARCOT-MARIE-TOOTH DISEASE, TYPE 4B; Charcot-Marie-Tooth Neuropathy Type 4B1; CHARCOT-MARIE-TOOTH DISEASE, DEMYELINATING, TYPE 4B1. Identifiers: Orphanet 99955, MedGen C1832399, MONDO:0011066, OMIM 601382.

Allele frequency attached by ClinVar (database versions not stated): 1000 Genomes Project 0.00639; 1000 Genomes Project 30x 0.00687; TOPMed 0.00830.

Submission:

Illumina Laboratory Services, Illumina
Classification: Benign for Charcot-Marie-Tooth disease type 4B1. Last evaluated: 2018-01-12. Review status: criteria provided, single submitter. Criteria: ICSL Variant Classification Criteria 13 December 2019. Collection method: clinical testing. Allele origin: germline.
Comment: This variant was observed in the ICSL laboratory as part of a predisposition screen in an ostensibly healthy population. It had not been previously curated by ICSL or reported in the Human Gene Mutation Database (HGMD: prior to June 1st, 2018), and was therefore a candidate for classification through an automated scoring system. Utilizing variant allele frequency, disease prevalence and penetrance estimates, and inheritance mode, an automated score was calculated to assess if this variant is too frequent to cause the disease. Based on the score and internal cut-off values, a variant classified as benign is not then subjected to further curation. The score for this variant resulted in a classification of benign for this disease.